The following is an entry in ClinVar:

ClinVar aggregate classification (germline): Pathogenic (1 of 4 stars; one submission).

Conditions:
Intellectual disability. Also called: intellectual disabilities; Intellectual developmental disorder; Intellectual functioning disability. Identifiers: MedGen C3714756, MeSH D008607, MONDO:0001071, HP:0001249.

Submission:

Labcorp Genetics (formerly Invitae), Labcorp
Classification: Pathogenic for Intellectual disability. Last evaluated: 2022-07-05. Review status: criteria provided, single submitter. Criteria: Invitae Variant Classification Sherloc (09022015). Collection method: clinical testing. Allele origin: germline.
Comment: This sequence change replaces isoleucine, which is neutral and non-polar, with phenylalanine, which is neutral and non-polar, at codon 299 of the GABRB2 protein (p.Ile299Phe). For these reasons, this variant has been classified as Pathogenic. Advanced modeling of protein sequence and biophysical properties (such as structural, functional, and spatial information, amino acid conservation, physicochemical variation, residue mobility, and thermodynamic stability) performed at Invitae indicates that this missense variant is expected to disrupt GABRB2 protein function. ClinVar contains an entry for this variant (Variation ID: 647339). This missense change has been observed in individual(s) with epileptic encephalopathy (Invitae). In at least one individual the variant was observed to be de novo. This variant is not present in population databases (gnomAD no frequency).

NM_001371727.1(GABRB2):c.895A>T (p.Ile299Phe)

Gene: GABRB2 (gamma-aminobutyric acid type A receptor subunit beta2; minus strand). Cytogenetic location: 5q34.
Variant type: single nucleotide variant.
Coding change: c.895A>T on transcript NM_001371727.1 (MANE Select); coding-DNA position 895, A replaced by T.
Protein change: p.Ile299Phe; replaces isoleucine 299 with phenylalanine.
Molecular consequence: missense variant.
Genome position (GRCh38, 1-based): chr5:161,331,065, T>A on the plus strand (A>T on the coding strand, the complement: GABRB2 is on the minus strand). VCF-style: chr5-161331065-T-A. GRCh37 (hg19) VCF-style: chr5-160758072-T-A.
Other names: c.895A>T, p.Ile299Phe (NM_000813.3, NM_021911.3); short protein forms I299F.
Identifiers: ClinVar variation 647339 (VCV000647339.9), dbSNP rs1580984895, ClinGen allele CA362175392.